The following is an entry in ClinVar:

NM_004281.4(BAG3):c.431_445dup (p.Thr144_Asp148dup)

Gene: BAG3 (BAG cochaperone 3; plus strand). Cytogenetic location: 10q26.11.
Variant type: Duplication.
Coding change: c.431_445dup on transcript NM_004281.4 (MANE Select); coding-DNA positions 431 to 445, 15 bases duplicated (CCACTCAGCCAGATA).
Protein change: p.Thr144_Asp148dup.
Molecular consequence: inframe insertion.
Genome position (GRCh38, 1-based): chr10:119,670,101-119,670,115, CCACTCAGCCAGATA duplicated; duplicating any 15 consecutive bases within chr10:119,670,100-119,670,115 gives the same sequence; the c. name uses the placement nearest the transcript's 3' end. VCF-style (leftmost placement, unchanged base first): chr10-119670099-A-AACCACTCAGCCAGAT. GRCh37 (hg19) VCF-style: chr10-121429611-A-AACCACTCAGCCAGAT.
Identifiers: ClinVar variation 1375877 (VCV001375877.8), dbSNP rs2134063514, ClinGen allele CA2573145585.

ClinVar aggregate classification (germline): Uncertain significance (1 of 4 stars; one submission).

Conditions:
Dilated cardiomyopathy 1HH (CMD1HH). Identifiers: Orphanet 154, MedGen C3151293, MONDO:0013479, OMIM 613881.
Myofibrillar myopathy 6. Identifiers: Orphanet 199340, MedGen C2751831, MONDO:0013061, OMIM 612954.

Submission:

Labcorp Genetics (formerly Invitae), Labcorp
Classification: Uncertain significance for Dilated cardiomyopathy 1HH; Myofibrillar myopathy 6. Last evaluated: 2024-06-11. Review status: criteria provided, single submitter. Criteria: Invitae Variant Classification Sherloc (09022015). Collection method: clinical testing. Allele origin: germline.
Comment: This variant, c.431_445dup, results in the insertion of 5 amino acid(s) of the BAG3 protein (p.Thr144_Asp148dup), but otherwise preserves the integrity of the reading frame. This variant is not present in population databases (gnomAD no frequency). This variant has not been reported in the literature in individuals affected with BAG3-related conditions. ClinVar contains an entry for this variant (Variation ID: 1375877). Experimental studies and prediction algorithms are not available or were not evaluated, and the functional significance of this variant is currently unknown. In summary, the available evidence is currently insufficient to determine the role of this variant in disease. Therefore, it has been classified as a Variant of Uncertain Significance.